The following is an entry in ClinVar:

NM_004998.4(MYO1E):c.3056A>G (p.Lys1019Arg)

Gene: MYO1E (myosin IE; minus strand). Cytogenetic location: 15q22.2.
Variant type: single nucleotide variant.
Coding change: c.3056A>G on transcript NM_004998.4 (MANE Select); coding-DNA position 3056, A replaced by G.
Protein change: p.Lys1019Arg; replaces lysine 1019 with arginine.
Molecular consequence: missense variant.
Genome position (GRCh38, 1-based): chr15:59,153,614, T>C on the plus strand (A>G on the coding strand, the complement: MYO1E is on the minus strand). VCF-style: chr15-59153614-T-C. GRCh37 (hg19) VCF-style: chr15-59445813-T-C.
Other names: short protein forms K1019R.
Identifiers: ClinVar variation 1052968 (VCV001052968.9), dbSNP rs150362312, ClinGen allele CA7589046.

ClinVar aggregate classification (germline): Uncertain significance (1 of 4 stars; one submission).

Allele frequency attached by ClinVar (database versions not stated): gnomAD exomes below 0.00001; ExAC 0.00001; gnomAD 0.00001; TOPMed 0.00001; ESP Exome Variant Server 0.00008.

Submission:

Labcorp Genetics (formerly Invitae), Labcorp
Classification: Uncertain significance. Last evaluated: 2020-07-03. Review status: criteria provided, single submitter. Criteria: Invitae Variant Classification Sherloc (09022015). Collection method: clinical testing. Allele origin: germline.
Comment: Algorithms developed to predict the effect of missense changes on protein structure and function output the following: SIFT: "Tolerated"; PolyPhen-2: "Benign"; Align-GVGD: "Class C0". The arginine amino acid residue is found in multiple mammalian species, suggesting that this missense change does not adversely affect protein function. These predictions have not been confirmed by published functional studies and their clinical significance is uncertain. This variant has not been reported in the literature in individuals with MYO1E-related conditions. This variant is present in population databases (rs150362312, ExAC 0.01%). This sequence change replaces lysine with arginine at codon 1019 of the MYO1E protein (p.Lys1019Arg). The lysine residue is moderately conserved and there is a small physicochemical difference between lysine and arginine. Algorithms developed to predict the effect of sequence changes on RNA splicing suggest that this variant may create or strengthen a splice site, but this prediction has not been confirmed by published transcriptional studies. In summary, the available evidence is currently insufficient to determine the role of this variant in disease. Therefore, it has been classified as a Variant of Uncertain Significance.